The following is an entry in ClinVar:

NM_006950.3(SYN1):c.1322C>A (p.Ala441Asp)

Gene: SYN1 (synapsin I; minus strand). Cytogenetic location: Xp11.3.
Variant type: single nucleotide variant.
Coding change: c.1322C>A on transcript NM_006950.3 (MANE Select); coding-DNA position 1322, C replaced by A.
Protein change: p.Ala441Asp; replaces alanine 441 with aspartic acid.
Molecular consequence: missense variant.
Genome position (GRCh38, 1-based): chrX:47,574,759, G>T on the plus strand (C>A on the coding strand, the complement: SYN1 is on the minus strand). VCF-style: chrX-47574759-G-T. GRCh37 (hg19) VCF-style: chrX-47434158-G-T.
Other names: c.1322C>A, p.Ala441Asp (NM_133499.2); short protein forms A441D.
Identifiers: ClinVar variation 586690 (VCV000586690.3), dbSNP rs1569322817, ClinGen allele CA412824853.
Genomic context (GRCh38, chrX:47,574,759, plus strand): 5'-GGTCGCTGCTGAGCCGGGGGCCCTGCGGGCTGCTGGGAGGTCTGGCGGCCCAAGGGCAGG[G>T]CCCCTGGGGACGGAGTCTGCGGCAGAGGAATGGAGCAGGAGAGGTTAAAAATAGTTACCA-3'
Protein context (NP_008881.2, residues 431-451): GSHGQTPSPG[Ala441Asp]LPLGRQTSQQ

ClinVar aggregate classification (germline): Uncertain significance. Review status: criteria provided, multiple submitters, no conflicts (2 of 4 stars). 2 submissions from 2 submitters: Uncertain significance (2). Last evaluated 2018-11-21.

Conditions:
Inborn genetic diseases. Identifiers: MedGen C0950123, MeSH D030342.

Allele frequency attached by ClinVar (database versions not stated): TOPMed below 0.00001.

Submissions (2):

Ambry Genetics
Classification: Uncertain significance for Inborn genetic diseases. Last evaluated: 2018-11-21. Review status: criteria provided, single submitter. Criteria: Ambry Variant Classification Scheme 2023. Collection method: clinical testing. Allele origin: germline.
Comment: The p.A441D variant (also known as c.1322C>A), located in coding exon 11 of the SYN1 gene, results from a C to A substitution at nucleotide position 1322. The alanine at codon 441 is replaced by aspartic acid, an amino acid with dissimilar properties. This amino acid position is well conserved in available vertebrate species. In addition, this alteration is predicted to be tolerated by in silico analysis. Since supporting evidence is limited at this time, the clinical significance of this alteration remains unclear.

Athena Diagnostics
Classification: Uncertain significance. Last evaluated: 2018-03-26. Review status: criteria provided, single submitter. Criteria: Athena Diagnostics Criteria. Collection method: clinical testing. Allele origin: germline.